The following is an entry in ClinVar:

NM_153460.4(IL17RC):c.25T>C (p.Ser9Pro)

Gene: IL17RC (interleukin 17 receptor C; plus strand). Cytogenetic location: 3p25.3.
Variant type: single nucleotide variant.
Coding change: c.25T>C on transcript NM_153460.4 (MANE Select); coding-DNA position 25, T replaced by C.
Protein change: p.Ser9Pro; replaces serine 9 with proline.
Molecular consequence: missense variant. On other transcripts: non-coding transcript variant (1).
Genome position (GRCh38, 1-based): chr3:9,917,340, T>C. VCF-style: chr3-9917340-T-C. GRCh37 (hg19) VCF-style: chr3-9959024-T-C.
Other names: c.25T>C, p.Ser9Pro (NM_001203263.2, NM_001203264.2, NM_001203265.2 and 6 more transcripts); short protein forms S9P.
Identifiers: ClinVar variation 4721969 (VCV004721969.1).

ClinVar aggregate classification (germline): Uncertain significance (1 of 4 stars; one submission).

Conditions:
Candidiasis, familial, 9 (CANDF9). Identifiers: Orphanet 1334, MedGen C4225324, MONDO:0014642, OMIM 616445.

Submission:

Labcorp Genetics (formerly Invitae), Labcorp
Classification: Uncertain significance for Candidiasis, familial, 9. Last evaluated: 2025-07-09. Review status: criteria provided, single submitter. Criteria: Invitae Variant Classification Sherloc (09022015). Collection method: clinical testing. Allele origin: germline.
Comment: This sequence change replaces serine, which is neutral and polar, with proline, which is neutral and non-polar, at codon 9 of the IL17RC protein (p.Ser9Pro). This variant is not present in population databases (gnomAD no frequency). This variant has not been reported in the literature in individuals affected with IL17RC-related conditions. An algorithm developed to predict the effect of missense changes on protein structure and function (PolyPhen-2) suggests that this variant is likely to be tolerated. In summary, the available evidence is currently insufficient to determine the role of this variant in disease. Therefore, it has been classified as a Variant of Uncertain Significance.